The following is an entry in ClinVar:

NM_001378454.1(ALMS1):c.74_75insGGAAGAGGAGGAGGAGGA (p.Glu23_Glu28dup)

Gene: ALMS1 (ALMS1 centrosome and basal body associated protein; plus strand). Cytogenetic location: 2p13.1.
Variant type: Microsatellite.
Coding change: c.74_75insGGAAGAGGAGGAGGAGGA on transcript NM_001378454.1 (MANE Select); coding-DNA positions 74 to 75, GGAAGAGGAGGAGGAGGA inserted.
Protein change: p.Glu23_Glu28dup.
Molecular consequence: inframe insertion.
Genome position: GRCh38 VCF-style: chr2-73385928-G-GGAGGAGGAGGAGGAGGAA. GRCh37 (hg19) VCF-style: chr2-73613056-G-GGAGGAGGAGGAGGAGGAA.
Other names: c.77_78insGGAAGAGGAGGAGGAGGA, p.Glu24_Glu29dup (NM_015120.4).
Identifiers: ClinVar variation 1440614 (VCV001440614.7), dbSNP rs1182322031.

ClinVar aggregate classification (germline): Uncertain significance (1 of 4 stars; one submission).

Conditions:
Alstrom syndrome (ALMS). Identifiers: Orphanet 64, MedGen C0268425, MONDO:0008763, OMIM 203800.

Submission:

Labcorp Genetics (formerly Invitae), Labcorp
Classification: Uncertain significance for Alstrom syndrome. Last evaluated: 2024-05-22. Review status: criteria provided, single submitter. Criteria: Invitae Variant Classification Sherloc (09022015). Collection method: clinical testing. Allele origin: germline.
Comment: This variant, c.77_78insGGAAGAGGAGGAGGAGGA, results in the insertion of 6 amino acid(s) of the ALMS1 protein (p.Glu24_Glu29dup), but otherwise preserves the integrity of the reading frame. The frequency data for this variant in the population databases is considered unreliable, as metrics indicate poor data quality at this position in the gnomAD database. This variant has not been reported in the literature in individuals affected with ALMS1-related conditions. ClinVar contains an entry for this variant (Variation ID: 1440614). Experimental studies and prediction algorithms are not available or were not evaluated, and the functional significance of this variant is currently unknown. In summary, the available evidence is currently insufficient to determine the role of this variant in disease. Therefore, it has been classified as a Variant of Uncertain Significance.